The following is an entry in ClinVar:

NM_020884.7(MYH7B):c.5427G>C (p.Gln1809His)

Gene: MYH7B (myosin heavy chain 7B; plus strand). Cytogenetic location: 20q11.22.
Variant type: single nucleotide variant.
Coding change: c.5427G>C on transcript NM_020884.7 (MANE Select); coding-DNA position 5427, G replaced by C.
Protein change: p.Gln1809His; replaces glutamine 1809 with histidine.
Molecular consequence: missense variant.
Genome position (GRCh38, 1-based): chr20:35,001,110, G>C. VCF-style: chr20-35001110-G-C. GRCh37 (hg19) VCF-style: chr20-33588913-G-C.
Other names: c.5553G>C (NM_020884.3); short protein forms Q1809H.
Identifiers: ClinVar variation 1407887 (VCV001407887.11), dbSNP rs760342368, ClinGen allele CA9828553.

ClinVar aggregate classification (germline): Uncertain significance. Review status: criteria provided, multiple submitters, no conflicts (2 of 4 stars). 2 submissions from 2 submitters: Uncertain significance (2). Last evaluated 2022-06-27.

Allele frequency attached by ClinVar (database versions not stated): TOPMed 0.00002; ExAC 0.00003.
gnomAD v4.1: 25 of 1,613,922 alleles (0.0015%); highest among the groups gnomAD compares: Middle Eastern, 0.14%; no homozygotes.

Submissions (2):

Labcorp Genetics (formerly Invitae), Labcorp
Classification: Uncertain significance. Last evaluated: 2022-06-27. Review status: criteria provided, single submitter. Criteria: Invitae Variant Classification Sherloc (09022015). Collection method: clinical testing. Allele origin: germline.
Comment: This variant is present in population databases (rs760342368, gnomAD 0.004%). This variant has not been reported in the literature in individuals affected with MYH7B-related conditions. Algorithms developed to predict the effect of missense changes on protein structure and function are either unavailable or do not agree on the potential impact of this missense change (SIFT: "Deleterious"; PolyPhen-2: "Probably Damaging"; Align-GVGD: "Class C15"). In summary, the available evidence is currently insufficient to determine the role of this variant in disease. Therefore, it has been classified as a Variant of Uncertain Significance. This sequence change replaces glutamine, which is neutral and polar, with histidine, which is basic and polar, at codon 1851 of the MYH7B protein (p.Gln1851His).

Ambry Genetics
Classification: Uncertain significance. Last evaluated: 2022-05-18. Review status: criteria provided, single submitter. Criteria: Ambry Variant Classification Scheme 2023. Collection method: clinical testing. Allele origin: germline.